The following is an entry in ClinVar:

NM_001164664.2(MAST4):c.7659G>C (p.Val2553=)

Gene: MAST4 (microtubule associated serine/threonine kinase family member 4; plus strand). Cytogenetic location: 5q12.3.
Variant type: single nucleotide variant.
Coding change: c.7659G>C on transcript NM_001164664.2 (MANE Select); coding-DNA position 7659, G replaced by C.
Protein change: p.Val2553=; no amino-acid change (valine 2553 retained).
Molecular consequence: synonymous variant.
Genome position (GRCh38, 1-based): chr5:67,166,838, G>C. VCF-style: chr5-67166838-G-C. GRCh37 (hg19) VCF-style: chr5-66462666-G-C.
Other names: c.7041G>C, p.Val2347= (NM_001290226.2); c.6876G>C, p.Val2292= (NM_001290227.2, NM_001393527.1); c.7077G>C, p.Val2359= (NM_001297651.2); c.7668G>C, p.Val2556= (NM_001393524.1); c.7458G>C, p.Val2486= (NM_001393525.1); c.6891G>C, p.Val2297= (NM_001393526.1); c.6855G>C, p.Val2285= (NM_001393528.1); c.7092G>C, p.Val2364= (NM_015183.3).
Identifiers: ClinVar variation 2655503 (VCV002655503.24), dbSNP rs56206043, ClinGen allele CA3289390.

ClinVar aggregate classification (germline): Likely benign (1 of 4 stars; one submission).

Allele frequency attached by ClinVar (database versions not stated): 1000 Genomes Project 30x 0.00234; 1000 Genomes Project 0.00240; ESP Exome Variant Server 0.00600.
gnomAD v4.1: 11,200 of 1,604,080 alleles (0.7%); highest among the groups gnomAD compares: Non-Finnish European, 0.87%; 49 homozygotes.

Submission:

CeGaT Center for Human Genetics Tuebingen
Classification: Likely benign. Last evaluated: 2026-06-01. Review status: criteria provided, single submitter. Criteria: CeGaT Center For Human Genetics Tuebingen Variant Classification Criteria Version 2. Collection method: clinical testing. Allele origin: germline. Affected: yes. Observed: 3 variant alleles.
Comment: MAST4: BP4, BP7, BS2